The following is an entry in ClinVar:

ClinVar aggregate classification (germline): Uncertain significance. Review status: criteria provided, multiple submitters, no conflicts (2 of 4 stars). 2 submissions from 2 submitters: Uncertain significance (2). Last evaluated 2025-12-18.

Conditions:
Familial focal epilepsy with variable foci (FPEVF). Identifiers: Orphanet 98820, MedGen C1858477, MONDO:0020310.

Submissions (2):

GeneDx
Classification: Uncertain significance. Last evaluated: 2025-12-18. Review status: criteria provided, single submitter. Criteria: GeneDx Variant Classification Process June 2021. Collection method: clinical testing. Allele origin: germline.
Comment: Not observed at significant frequency in large population cohorts (gnomAD); In silico analysis supports that this missense variant has a deleterious effect on protein structure/function; Has not been previously published as pathogenic or benign to our knowledge

Labcorp Genetics (formerly Invitae), Labcorp
Classification: Uncertain significance for Familial focal epilepsy with variable foci. Last evaluated: 2023-08-27. Review status: criteria provided, single submitter. Criteria: Invitae Variant Classification Sherloc (09022015). Collection method: clinical testing. Allele origin: germline.
Comment: This variant is not present in population databases (gnomAD no frequency). In summary, the available evidence is currently insufficient to determine the role of this variant in disease. Therefore, it has been classified as a Variant of Uncertain Significance. Experimental studies and prediction algorithms are not available or were not evaluated, and the functional significance of this variant is currently unknown. This variant has not been reported in the literature in individuals affected with DEPDC5-related conditions. This sequence change replaces proline, which is neutral and non-polar, with arginine, which is basic and polar, at codon 92 of the DEPDC5 protein (p.Pro92Arg).

NM_001242896.3(DEPDC5):c.275C>G (p.Pro92Arg)

Gene: DEPDC5 (DEP domain containing 5, GATOR1 subcomplex subunit; plus strand). Cytogenetic location: 22q12.2.
Variant type: single nucleotide variant.
Coding change: c.275C>G on transcript NM_001242896.3 (MANE Select); coding-DNA position 275, C replaced by G.
Protein change: p.Pro92Arg; replaces proline 92 with arginine.
Molecular consequence: missense variant. On other transcripts: non-coding transcript variant (5).
Genome position (GRCh38, 1-based): chr22:31,765,056, C>G. VCF-style: chr22-31765056-C-G. GRCh37 (hg19) VCF-style: chr22-32161042-C-G.
Other names: c.275C>G, p.Pro92Arg (NM_001007188.4, NM_001136029.4, NM_001242897.2 and 9 more transcripts); c.275C>G (NM_001242896.1); short protein forms P92R.
Identifiers: ClinVar variation 2822791 (VCV002822791.5), dbSNP rs977089582, ClinGen allele CA411282008.
Genomic context (GRCh38, chr22:31,765,056, plus strand): 5'-CTGTGACTCAAGTGTTCCGGCTGAGACCTTATCAGGATGTCTATGTTAATGTCGTAGACC[C>G]TAAGGTATGTCTTTGTTTTGTACTTGAATATCTTTTTGGAATAAGCACCCTTCCTCAAGG-3'
Protein context (NP_001229825.1, residues 82-102): YQDVYVNVVD[Pro92Arg]KDVTLDLVEL